The following is an entry in ClinVar:

ClinVar aggregate classification (germline): Uncertain significance (1 of 4 stars; one submission).

Conditions:
Inborn genetic diseases. Identifiers: MedGen C0950123, MeSH D030342.

Submission:

Ambry Genetics
Classification: Uncertain significance for Inborn genetic diseases. Last evaluated: 2024-12-03. Review status: criteria provided, single submitter. Criteria: Ambry Variant Classification Scheme 2023. Collection method: clinical testing. Allele origin: germline.
Comment: The p.K1128R variant (also known as c.3383A>G), located in coding exon 1 of the SAMD9 gene, results from an A to G substitution at nucleotide position 3383. The lysine at codon 1128 is replaced by arginine, an amino acid with highly similar properties. This amino acid position is conserved. In addition, this alteration is predicted to be tolerated by in silico analysis. Based on the available evidence, the clinical significance of this variant remains unclear.

NM_017654.4(SAMD9):c.3383A>G (p.Lys1128Arg)

Gene: SAMD9 (sterile alpha motif domain containing 9; minus strand). Cytogenetic location: 7q21.2.
Variant type: single nucleotide variant.
Coding change: c.3383A>G on transcript NM_017654.4 (MANE Select); coding-DNA position 3383, A replaced by G.
Protein change: p.Lys1128Arg; replaces lysine 1128 with arginine.
Molecular consequence: missense variant.
Genome position (GRCh38, 1-based): chr7:93,102,715, T>C on the plus strand (A>G on the coding strand, the complement: SAMD9 is on the minus strand). VCF-style: chr7-93102715-T-C. GRCh37 (hg19) VCF-style: chr7-92732028-T-C.
Other names: c.3383A>G, p.Lys1128Arg (NM_001193307.2); short protein forms K1128R.
Identifiers: ClinVar variation 3437074 (VCV003437074.1).